The following is an entry in ClinVar:

NM_001040436.3(YARS2):c.997A>G (p.Met333Val)

Gene: YARS2 (tyrosyl-tRNA synthetase 2; minus strand). Cytogenetic location: 12p11.21.
Variant type: single nucleotide variant.
Coding change: c.997A>G on transcript NM_001040436.3 (MANE Select); coding-DNA position 997, A replaced by G.
Protein change: p.Met333Val; replaces methionine 333 with valine.
Molecular consequence: missense variant.
Genome position (GRCh38, 1-based): chr12:32,750,825, T>C on the plus strand (A>G on the coding strand, the complement: YARS2 is on the minus strand). VCF-style: chr12-32750825-T-C. GRCh37 (hg19) VCF-style: chr12-32903759-T-C.
Other names: short protein forms M333V.
Identifiers: ClinVar variation 2574941 (VCV002574941.1), dbSNP rs771048061, ClinGen allele CA6508019.
Genomic context (GRCh38, chr12:32,750,825, plus strand): 5'-CTTCTGCTGCCAGTCGTTTCTGAGGACCCCGCCTTTCTGGCTCTTTGACATGCAGCTGCA[T>C]GATATGATCAATCTCTGGAAGGGGCAGGAAAGTGAACAGCTTCAGGTACCTTTGAGACAA-3'
Protein context (NP_001035526.1, residues 323-343): FLPLPEIDHI[Met333Val]QLHVKEPERR

ClinVar aggregate classification (germline): Uncertain significance (1 of 4 stars; one submission).

Allele frequency attached by ClinVar (database versions not stated): TOPMed below 0.00001; gnomAD 0.00001.
gnomAD v4.1: 3 of 1,614,106 alleles (0.00019%); highest among the groups gnomAD compares: Middle Eastern, 0.016%; no homozygotes.

Submission:

GeneDx
Classification: Uncertain significance. Last evaluated: 2023-02-06. Review status: criteria provided, single submitter. Criteria: GeneDx Variant Classification Process June 2021. Collection method: clinical testing. Allele origin: germline. Affected: yes.
Comment: Not observed at significant frequency in large population cohorts (gnomAD); In silico analysis supports that this missense variant has a deleterious effect on protein structure/function; Has not been previously published as pathogenic or benign to our knowledge